The following is an entry in ClinVar:

ClinVar aggregate classification (germline): Uncertain significance. Review status: criteria provided, multiple submitters, no conflicts (2 of 4 stars). 4 submissions from 4 submitters: Uncertain significance (4). Last evaluated 2026-07-14.

Conditions:
Nephronophthisis. Also called: Juvenile Nephronophthisis. Identifiers: Orphanet 655, MedGen C0687120, MONDO:0019005, HP:0000090.
Jeune thoracic dystrophy. Also called: Jeune syndrome; Infantile thoracic dystrophy; Thoracic pelvic phalangeal dystrophy; Jeune's syndrome; Chondroectodermal dysplasia-like syndrome; Short-rib thoracic dysplasia. Identifiers: Orphanet 474, MedGen C0265275, MONDO:0018770.
Nephronophthisis 12 (NPHP12). Identifiers: Orphanet 655, MedGen C3151186, MONDO:0013442, OMIM 613820.
Asphyxiating thoracic dystrophy 4 (SRTD4). Also called: SHORT-RIB THORACIC DYSPLASIA 4 WITH OR WITHOUT POLYDACTYLY; SHORT-RIB THORACIC DYSPLASIA 4. Identifiers: Orphanet 474, MedGen C3151185, MONDO:0013441, OMIM 613819.
TTC21B-related disorder. Also called: TTC21B-related disorders; TTC21B-related condition.

Allele frequency attached by ClinVar (database versions not stated): gnomAD exomes 0.00002 and 0.00003; TOPMed 0.00002; ExAC 0.00003; gnomAD 0.00004; ESP Exome Variant Server 0.00008.

Submissions (4):

PreventionGenetics, part of Exact Sciences
Classification: Uncertain significance for TTC21B-related condition. Last evaluated: 2026-07-14. Review status: criteria provided, single submitter. Criteria: ACMG Guidelines, 2015. Collection method: clinical testing. Allele origin: germline.
Comment: The TTC21B c.3556A>G variant is predicted to result in the amino acid substitution p.Met1186Val. This variant was reported in an individual with Joubert syndrome (Davis et al. 2011. PubMed ID: 21258341) and was functionally characterized in zebrafish as a hypomorphic allele (Supplementary Table 2, Davis et al. 2011. PubMed ID: 21258341). This variant is reported in 0.0054% of alleles in individuals of European (Non-Finnish) descent in gnomAD and is interpreted as uncertain in ClinVar (Variation ID: 1384718). Although we suspect that this variant may be pathogenic, at this time, the clinical significance of this variant is uncertain due to the absence of conclusive functional and genetic evidence.

Fulgent Genetics
Classification: Uncertain significance for Asphyxiating thoracic dystrophy 4; Nephronophthisis 12. Last evaluated: 2024-01-08. Review status: criteria provided, single submitter. Criteria: ACMG Guidelines, 2015. Collection method: clinical testing. Allele origin: germline.

Labcorp Genetics (formerly Invitae), Labcorp
Classification: Uncertain significance for Jeune thoracic dystrophy; Nephronophthisis. Last evaluated: 2022-10-13. Review status: criteria provided, single submitter. Criteria: Invitae Variant Classification Sherloc (09022015). Collection method: clinical testing. Allele origin: germline.
Comment: This sequence change replaces methionine, which is neutral and non-polar, with valine, which is neutral and non-polar, at codon 1186 of the TTC21B protein (p.Met1186Val). This variant is present in population databases (rs376308209, gnomAD 0.007%). This variant has not been reported in the literature in individuals affected with TTC21B-related conditions. ClinVar contains an entry for this variant (Variation ID: 1384718). Advanced modeling of protein sequence and biophysical properties (such as structural, functional, and spatial information, amino acid conservation, physicochemical variation, residue mobility, and thermodynamic stability) performed at Invitae indicates that this missense variant is not expected to disrupt TTC21B protein function. In summary, the available evidence is currently insufficient to determine the role of this variant in disease. Therefore, it has been classified as a Variant of Uncertain Significance.

Blueprint Genetics
Classification: Uncertain significance. Last evaluated: 2022-06-03. Review status: criteria provided, single submitter. Criteria: ACMG Guidelines, 2015. Collection method: clinical testing. Allele origin: germline.

NM_024753.5(TTC21B):c.3556A>G (p.Met1186Val)

Gene: TTC21B (tetratricopeptide repeat domain 21B; minus strand). Cytogenetic location: 2q24.3.
Variant type: single nucleotide variant.
Coding change: c.3556A>G on transcript NM_024753.5 (MANE Select); coding-DNA position 3556, A replaced by G.
Protein change: p.Met1186Val; replaces methionine 1186 with valine.
Molecular consequence: missense variant.
Genome position (GRCh38, 1-based): chr2:165,883,922, T>C on the plus strand (A>G on the coding strand, the complement: TTC21B is on the minus strand). VCF-style: chr2-165883922-T-C. GRCh37 (hg19) VCF-style: chr2-166740432-T-C.
Other names: c.3556A>G (NM_024753.4); short protein forms M1186V.
Identifiers: ClinVar variation 1384718 (VCV001384718.8), dbSNP rs376308209, ClinGen allele CA1941471.
Genomic context (GRCh38, chr2:165,883,922, plus strand): 5'-TATCAGCAAGTAGCAGCCAACTCTTCTCAAACTCTTCAGCATCAATAGCATTCCAATTCA[T>C]TTTCGCAATACGCTTCAGCTGGTTTCTGGCTCGTGGAGTCTGTTTCAAGATCATATAAGC-3'
Protein context (NP_079029.3, residues 1176-1196): ARNQLKRIAK[Met1186Val]NWNAIDAEEF